The following is an entry in ClinVar:

ClinVar aggregate classification (germline): Uncertain significance (1 of 4 stars; one submission).

gnomAD v4.1: 36 of 1,599,026 alleles (0.0023%); highest among the groups gnomAD compares: African/African-American, 0.023%; no homozygotes.

Submission:

Labcorp Genetics (formerly Invitae), Labcorp
Classification: Uncertain significance. Last evaluated: 2025-07-22. Review status: criteria provided, single submitter. Criteria: Invitae Variant Classification Sherloc (09022015). Collection method: clinical testing. Allele origin: germline.
Comment: This sequence change replaces arginine, which is basic and polar, with tryptophan, which is neutral and slightly polar, at codon 1662 of the MYH7B protein (p.Arg1662Trp). The frequency data for this variant in the population databases is considered unreliable, as metrics indicate poor data quality at this position in the gnomAD database. This variant has not been reported in the literature in individuals affected with MYH7B-related conditions. Invitae Evidence Modeling of protein sequence and biophysical properties (such as structural, functional, and spatial information, amino acid conservation, physicochemical variation, residue mobility, and thermodynamic stability) indicates that this missense variant is expected to disrupt MYH7B protein function with a positive predictive value of 80%. In summary, the available evidence is currently insufficient to determine the role of this variant in disease. Therefore, it has been classified as a Variant of Uncertain Significance.

NM_020884.7(MYH7B):c.4858C>T (p.Arg1620Trp)

Gene: MYH7B (myosin heavy chain 7B; plus strand). Cytogenetic location: 20q11.22.
Variant type: single nucleotide variant.
Coding change: c.4858C>T on transcript NM_020884.7 (MANE Select); coding-DNA position 4858, C replaced by T.
Protein change: p.Arg1620Trp; replaces arginine 1620 with tryptophan.
Molecular consequence: missense variant.
Genome position (GRCh38, 1-based): chr20:35,000,369, C>T. VCF-style: chr20-35000369-C-T. GRCh37 (hg19) VCF-style: chr20-33588172-C-T.
Other names: short protein forms R1620W.
Identifiers: ClinVar variation 4736753 (VCV004736753.1).